The following is an entry in ClinVar:

NM_015559.3(SETBP1):c.1645G>A (p.Ala549Thr)

Gene: SETBP1 (SET binding protein 1; plus strand). Cytogenetic location: 18q12.3.
Variant type: single nucleotide variant.
Coding change: c.1645G>A on transcript NM_015559.3 (MANE Select); coding-DNA position 1645, G replaced by A.
Protein change: p.Ala549Thr; replaces alanine 549 with threonine.
Molecular consequence: missense variant.
Genome position (GRCh38, 1-based): chr18:44,950,985, G>A. VCF-style: chr18-44950985-G-A. GRCh37 (hg19) VCF-style: chr18-42530950-G-A.
Other names: c.1645G>A, p.Ala549Thr (NM_001379141.1, NM_001379142.1); short protein forms A549T.
Identifiers: ClinVar variation 1364399 (VCV001364399.8), dbSNP rs746220134, ClinGen allele CA8945653.

ClinVar aggregate classification (germline): Uncertain significance. Review status: criteria provided, multiple submitters, no conflicts (2 of 4 stars). 2 submissions from 2 submitters: Uncertain significance (2). Last evaluated 2025-08-12.

Allele frequency attached by ClinVar (database versions not stated): gnomAD 0.00001; gnomAD exomes 0.00001; TOPMed 0.00001; ExAC 0.00002.
gnomAD v4.1: 17 of 1,613,872 alleles (0.0011%); highest among the groups gnomAD compares: South Asian, 0.0099%; no homozygotes.

Submissions (2):

Labcorp Genetics (formerly Invitae), Labcorp
Classification: Uncertain significance. Last evaluated: 2025-08-12. Review status: criteria provided, single submitter. Criteria: Invitae Variant Classification Sherloc (09022015). Collection method: clinical testing. Allele origin: germline.
Comment: This sequence change replaces alanine, which is neutral and non-polar, with threonine, which is neutral and polar, at codon 549 of the SETBP1 protein (p.Ala549Thr). This variant is present in population databases (rs746220134, gnomAD 0.003%). This variant has not been reported in the literature in individuals affected with SETBP1-related conditions. ClinVar contains an entry for this variant (Variation ID: 1364399). Invitae Evidence Modeling of protein sequence and biophysical properties (such as structural, functional, and spatial information, amino acid conservation, physicochemical variation, residue mobility, and thermodynamic stability) indicates that this missense variant is not expected to disrupt SETBP1 protein function with a negative predictive value of 80%. In summary, the available evidence is currently insufficient to determine the role of this variant in disease. Therefore, it has been classified as a Variant of Uncertain Significance.

GeneDx
Classification: Uncertain significance. Last evaluated: 2022-02-01. Review status: criteria provided, single submitter. Criteria: GeneDx Variant Classification Process June 2021. Collection method: clinical testing. Allele origin: germline. Affected: yes.
Comment: In silico analysis supports that this missense variant does not alter protein structure/function; Has not been previously published as pathogenic or benign to our knowledge